The following is an entry in ClinVar:

ClinVar aggregate classification (germline): Uncertain significance (1 of 4 stars; one submission).

Conditions:
Tumor predisposition syndrome 3 (TPDS3). Also called: Glioma susceptibility 9; LONG TELOMERE SYNDROME, POT1-RELATED; POT1 Tumor Predisposition; Melanoma, cutaneous malignant, susceptibility to, 10. Identifiers: Orphanet 618, MedGen C4014476, MONDO:0014368, OMIM 615848.

gnomAD v4.1: 1 of 1,404,092 alleles (0.000071%); no homozygotes.

Submission:

Labcorp Genetics (formerly Invitae), Labcorp
Classification: Uncertain significance for Tumor predisposition syndrome 3. Last evaluated: 2022-02-08. Review status: criteria provided, single submitter. Criteria: Invitae Variant Classification Sherloc (09022015). Collection method: clinical testing. Allele origin: germline.
Comment: This variant is not present in population databases (gnomAD no frequency). This sequence change replaces valine, which is neutral and non-polar, with aspartic acid, which is acidic and polar, at codon 4 of the POT1 protein (p.Val4Asp). This variant has not been reported in the literature in individuals affected with POT1-related conditions. In summary, the available evidence is currently insufficient to determine the role of this variant in disease. Therefore, it has been classified as a Variant of Uncertain Significance. Algorithms developed to predict the effect of missense changes on protein structure and function (SIFT, PolyPhen-2, Align-GVGD) all suggest that this variant is likely to be tolerated.

NM_015450.3(POT1):c.11T>A (p.Val4Asp)

Gene: POT1 (protection of telomeres 1; minus strand). Cytogenetic location: 7q31.33.
Variant type: single nucleotide variant.
Coding change: c.11T>A on transcript NM_015450.3 (MANE Select); coding-DNA position 11, T replaced by A.
Protein change: p.Val4Asp; replaces valine 4 with aspartic acid.
Molecular consequence: missense variant. On other transcripts: 5 prime UTR variant (1), non-coding transcript variant (3).
Genome position (GRCh38, 1-based): chr7:124,892,379, A>T on the plus strand (T>A on the coding strand, the complement: POT1 is on the minus strand). VCF-style: chr7-124892379-A-T. GRCh37 (hg19) VCF-style: chr7-124532433-A-T.
Other names: c.-252T>A (NM_001042594.2); short protein forms V4D.
Identifiers: ClinVar variation 1518747 (VCV001518747.6), dbSNP rs2116630010, ClinGen allele CA369066335.